The following is an entry in ClinVar:

NM_002113.3(CFHR1):c.105T>C (p.Asp35=)

Gene: CFHR1 (complement factor H related 1; plus strand). Cytogenetic location: 1q31.3.
Variant type: single nucleotide variant.
Coding change: c.105T>C on transcript NM_002113.3 (MANE Select); coding-DNA position 105, T replaced by C.
Protein change: p.Asp35=; no amino-acid change (aspartic acid 35 retained).
Molecular consequence: synonymous variant. On other transcripts: intron variant (6).
Genome position (GRCh38, 1-based): chr1:196,825,523, T>C. VCF-style: chr1-196825523-T-C. GRCh37 (hg19) VCF-style: chr1-196794653-T-C.
Other names: p.Asp35=; c.105T>C, p.Asp35= (NM_001379311.1); c.59-5T>C (NM_001379306.1); c.59-116T>C (NM_001379307.1); c.59-119T>C (NM_001379308.1); c.59-122T>C (NM_001379309.1); c.59-1306T>C (NM_001379310.1); c.59-1354T>C (NM_001379312.1).
Identifiers: ClinVar variation 4683958 (VCV004683958.2).

ClinVar aggregate classification (germline): Benign/Likely benign. Review status: criteria provided, multiple submitters, no conflicts (2 of 4 stars). 2 submissions from 2 submitters: Benign (1); Likely benign (1). Last evaluated 2024-09-13.

gnomAD v4.1: 3,021 of 1,519,846 alleles (0.2%); highest among the groups gnomAD compares: African/African-American, 4.3%; 845 homozygotes.

Submissions (2):

Blueprint Genetics
Classification: Likely benign. Last evaluated: 2024-09-13. Review status: criteria provided, single submitter. Criteria: ACMG Guidelines, 2015. Collection method: clinical testing. Allele origin: germline.

Mayo Clinic Laboratories, Mayo Clinic
Classification: Benign. Last evaluated: 2023-02-06. Review status: criteria provided, single submitter. Criteria: ACMG Guidelines, 2015. Collection method: clinical testing. Allele origin: germline. Observed: 41 variant alleles.
Comment: BA1, BP4, BP7